The following is an entry in ClinVar:

ClinVar aggregate classification (germline): Uncertain significance (1 of 4 stars; one submission).

Submission:

Labcorp Genetics (formerly Invitae), Labcorp
Classification: Uncertain significance. Last evaluated: 2023-08-17. Review status: criteria provided, single submitter. Criteria: Invitae Variant Classification Sherloc (09022015). Collection method: clinical testing. Allele origin: germline.
Comment: In summary, the available evidence is currently insufficient to determine the role of this variant in disease. Therefore, it has been classified as a Variant of Uncertain Significance. An algorithm developed to predict the effect of missense changes on protein structure and function (PolyPhen-2) suggests that this variant is likely to be tolerated. This variant has not been reported in the literature in individuals affected with KCNC3-related conditions. This variant is not present in population databases (gnomAD no frequency). This sequence change replaces phenylalanine, which is neutral and non-polar, with tyrosine, which is neutral and polar, at codon 173 of the KCNC3 protein (p.Phe173Tyr).

NM_004977.3(KCNC3):c.518T>A (p.Phe173Tyr)

Gene: KCNC3 (potassium voltage-gated channel subfamily C member 3; minus strand). Cytogenetic location: 19q13.33.
Variant type: single nucleotide variant.
Coding change: c.518T>A on transcript NM_004977.3 (MANE Select); coding-DNA position 518, T replaced by A.
Protein change: p.Phe173Tyr; replaces phenylalanine 173 with tyrosine.
Molecular consequence: missense variant.
Genome position (GRCh38, 1-based): chr19:50,328,565, A>T on the plus strand (T>A on the coding strand, the complement: KCNC3 is on the minus strand). VCF-style: chr19-50328565-A-T. GRCh37 (hg19) VCF-style: chr19-50831822-A-T.
Other names: c.290T>A, p.Phe97Tyr (NM_001372305.1); short protein forms F173Y, F97Y.
Identifiers: ClinVar variation 2795905 (VCV002795905.3), dbSNP rs2513803888, ClinGen allele CA406955237.